The following is an entry in ClinVar:

ClinVar aggregate classification (germline): Uncertain significance. Review status: criteria provided, multiple submitters, no conflicts (2 of 4 stars). 2 submissions from 2 submitters: Uncertain significance (2). Last evaluated 2025-06-29.

Submissions (2):

Labcorp Genetics (formerly Invitae), Labcorp
Classification: Uncertain significance. Last evaluated: 2025-06-29. Review status: criteria provided, single submitter. Criteria: Invitae Variant Classification Sherloc (09022015). Collection method: clinical testing. Allele origin: germline.
Comment: This sequence change replaces glutamine, which is neutral and polar, with arginine, which is basic and polar, at codon 193 of the IFT88 protein (p.Gln193Arg). This variant is not present in population databases (gnomAD no frequency). This variant has not been reported in the literature in individuals affected with IFT88-related conditions. ClinVar contains an entry for this variant (Variation ID: 3108474). An algorithm developed to predict the effect of missense changes on protein structure and function (PolyPhen-2) suggests that this variant is likely to be tolerated. In summary, the available evidence is currently insufficient to determine the role of this variant in disease. Therefore, it has been classified as a Variant of Uncertain Significance.

Ambry Genetics
Classification: Uncertain significance. Last evaluated: 2023-09-29. Review status: criteria provided, single submitter. Criteria: Ambry Variant Classification Scheme 2023. Collection method: clinical testing. Allele origin: germline.

NM_006531.5(IFT88):c.551A>G (p.Gln184Arg)

Gene: IFT88 (intraflagellar transport 88; plus strand). Cytogenetic location: 13q12.11.
Variant type: single nucleotide variant.
Coding change: c.551A>G on transcript NM_006531.5 (MANE Select); coding-DNA position 551, A replaced by G.
Protein change: p.Gln184Arg; replaces glutamine 184 with arginine.
Molecular consequence: missense variant. On other transcripts: 5 prime UTR variant (1), non-coding transcript variant (5).
Genome position (GRCh38, 1-based): chr13:20,597,076, A>G. VCF-style: chr13-20597076-A-G. GRCh37 (hg19) VCF-style: chr13-21171215-A-G.
Other names: c.494A>G, p.Gln165Arg (NM_001318491.2, NM_001353573.2, NM_001353574.2 and 1 more transcripts); c.578A>G, p.Gln193Arg (NM_001318493.2, NM_001353565.2, NM_001353566.2 and 6 more transcripts); c.551A>G, p.Gln184Arg (NM_001353568.2, NM_001353571.2, NM_001353572.2 and 1 more transcripts); c.-83A>G (NM_001353579.2); short protein forms Q184R, Q193R, Q165R.
Identifiers: ClinVar variation 3108474 (VCV003108474.2), dbSNP rs2548103099, ClinGen allele CA387472822.